The following is an entry in ClinVar:

ClinVar aggregate classification (germline): Uncertain significance (1 of 4 stars; one submission).

Conditions:
Cardiovascular phenotype. Identifiers: MedGen CN230736.

Submission:

Ambry Genetics
Classification: Uncertain significance for Cardiovascular phenotype. Last evaluated: 2026-09-11. Review status: criteria provided, single submitter. Criteria: Ambry Variant Classification Scheme 2023. Collection method: clinical testing. Allele origin: germline.
Comment: The p.T3144I variant (also known as c.9431C>T), located in coding exon 26 of the APOB gene, results from a C to T substitution at nucleotide position 9431. The threonine at codon 3144 is replaced by isoleucine, an amino acid with similar properties. This amino acid position is conserved. In addition, this alteration is predicted to be tolerated by in silico analysis. Based on the available evidence, the clinical significance of this variant remains unclear.

NM_000384.3(APOB):c.9431C>T (p.Thr3144Ile)

Gene: APOB (apolipoprotein B; minus strand). Cytogenetic location: 2p24.1.
Variant type: single nucleotide variant.
Coding change: c.9431C>T on transcript NM_000384.3 (MANE Select); coding-DNA position 9431, C replaced by T.
Protein change: p.Thr3144Ile; replaces threonine 3144 with isoleucine.
Molecular consequence: missense variant.
Genome position (GRCh38, 1-based): chr2:21,007,437, G>A on the plus strand (C>T on the coding strand, the complement: APOB is on the minus strand). VCF-style: chr2-21007437-G-A. GRCh37 (hg19) VCF-style: chr2-21230309-G-A.
Other names: short protein forms T3144I.
Identifiers: ClinVar variation 4613706 (VCV004613706.2).